The following is an entry in ClinVar:

ClinVar aggregate classification (germline): Uncertain significance (1 of 4 stars; one submission).

gnomAD v4.1: 11 of 1,614,080 alleles (0.00068%); highest among the groups gnomAD compares: Non-Finnish European, 0.00085%; no homozygotes.

Submission:

Labcorp Genetics (formerly Invitae), Labcorp
Classification: Uncertain significance. Last evaluated: 2024-11-03. Review status: criteria provided, single submitter. Criteria: Invitae Variant Classification Sherloc (09022015). Collection method: clinical testing. Allele origin: germline.
Comment: This sequence change replaces glutamic acid, which is acidic and polar, with alanine, which is neutral and non-polar, at codon 57 of the GUCA1A protein (p.Glu57Ala). This variant is not present in population databases (gnomAD no frequency). This variant has not been reported in the literature in individuals affected with GUCA1A-related conditions. An algorithm developed to predict the effect of missense changes on protein structure and function (PolyPhen-2) suggests that this variant is likely to be tolerated. In summary, the available evidence is currently insufficient to determine the role of this variant in disease. Therefore, it has been classified as a Variant of Uncertain Significance.

NM_001384910.1(GUCA1A):c.170A>C (p.Glu57Ala)

Genes: GUCA1A (guanylate cyclase activator 1A; plus strand), GUCA1ANB-GUCA1A (GUCA1ANB-GUCA1A readthrough; plus strand). Cytogenetic location: 6p21.1.
Variant type: single nucleotide variant.
Coding change: c.170A>C on transcript NM_001384910.1 (MANE Select); coding-DNA position 170, A replaced by C.
Protein change: p.Glu57Ala; replaces glutamic acid 57 with alanine.
Molecular consequence: missense variant.
Genome position (GRCh38, 1-based): chr6:42,173,783, A>C. VCF-style: chr6-42173783-A-C. GRCh37 (hg19) VCF-style: chr6-42141521-A-C.
Other names: c.170A>C, p.Glu57Ala (NM_000409.5, NM_001319061.2, NM_001319062.2); short protein forms E57A.
Identifiers: ClinVar variation 3604970 (VCV003604970.2).
Genomic context (GRCh38, chr6:42,173,783, plus strand): 5'-ATGAGTTCCGCCAGTTCTTCGGCCTCAAGAACCTGAGCCCGTCGGCCAGCCAGTACGTGG[A>C]ACAGATGTTTGAGACTTTTGACTTCAACAAGGTGAGCAGGGGCCCAGTGGCAGGGAGGGG-3'
Protein context (NP_001371839.1, residues 47-67): NLSPSASQYV[Glu57Ala]QMFETFDFNK